The following is an entry in ClinVar:

NM_001105558.1(WEE2):c.735A>G (p.Lys245=)

Genes: WEE2 (WEE2 oocyte meiosis inhibiting kinase; plus strand), WEE2-AS1 (WEE2 antisense RNA 1; minus strand). Cytogenetic location: 7q34.
Variant type: single nucleotide variant.
Coding change: c.735A>G on transcript NM_001105558.1 (MANE Select); coding-DNA position 735, A replaced by G.
Protein change: p.Lys245=; no amino-acid change (lysine 245 retained).
Molecular consequence: synonymous variant.
Genome position (GRCh38, 1-based): chr7:141,719,221, A>G. VCF-style: chr7-141719221-A-G. GRCh37 (hg19) VCF-style: chr7-141419021-A-G.
Identifiers: ClinVar variation 4533808 (VCV004533808.6).

ClinVar aggregate classification (germline): Likely benign (1 of 4 stars; one submission).

gnomAD v4.1: 279 of 1,609,330 alleles (0.017%); highest among the groups gnomAD compares: Non-Finnish European, 0.022%; no homozygotes.

Submission:

CeGaT Center for Human Genetics Tuebingen
Classification: Likely benign. Last evaluated: 2025-11-01. Review status: criteria provided, single submitter. Criteria: CeGaT Center For Human Genetics Tuebingen Variant Classification Criteria Version 2. Collection method: clinical testing. Allele origin: germline. Affected: yes. Observed: 1 variant allele.
Comment: WEE2: BP4, BP7